The following is an entry in ClinVar:

NM_001323289.2(CDKL5):c.2374dup (p.Thr792fs)

Gene: CDKL5 (cyclin dependent kinase like 5; plus strand). Cytogenetic location: Xp22.13.
Variant type: Duplication.
Coding change: c.2374dup on transcript NM_001323289.2 (MANE Select); coding-DNA position 2374, one base duplicated (A; older notation c.2374dupA).
Protein change: p.Thr792fs; shifts the reading frame from threonine 792.
Molecular consequence: frameshift variant.
Genome position (GRCh38, 1-based): chrX:18,619,964, A duplicated; the last of 3 consecutive A bases (chrX:18,619,962-18,619,964); duplicating any one gives the same sequence. VCF-style (leftmost placement, unchanged base first): chrX-18619961-C-CA. GRCh37 (hg19) VCF-style: chrX-18638081-C-CA.
Other names: NM_001323289.2(CDKL5):c.2374dup; p.Thr792fs; c.2374dupA (NM_003159.2); c.2374dup, p.Thr792fs (NM_001037343.2, NM_003159.3); short protein forms T792fs.
Identifiers: ClinVar variation 817613 (VCV000817613.5), dbSNP rs1602295779, ClinGen allele CA915950772.

ClinVar aggregate classification (germline): Pathogenic/Likely pathogenic. Review status: criteria provided, multiple submitters, no conflicts (2 of 4 stars). 3 submissions from 3 submitters: Pathogenic (1); Likely pathogenic (2). Last evaluated 2024-09-16.

Conditions:
Developmental and epileptic encephalopathy, 2 (DEE2). Also called: INFANTILE SPASM SYNDROME, X-LINKED 2; CDKL5 deficiency disorder. Identifiers: Orphanet 1934, Orphanet 3451, Orphanet 505652, MedGen C4750718, MONDO:0010396, OMIM 300672.
Angelman syndrome-like. Identifiers: MedGen CN128785.
CDKL5 disorder. Identifiers: MedGen CN296942, MONDO:0100039.

Submissions (3):

Centre for Population Genomics, CPG
Classification: Likely pathogenic for CDKL5 disorder. Last evaluated: 2024-09-16. Review status: criteria provided, single submitter. Criteria: McKnight et al. (Hum Mutat. 2022). Collection method: curation. Allele origin: germline. Inheritance: X-linked inheritance.
Comment: This variant has been collected from RettBASE and curated to current modified ACMG/AMP criteria. Based on the classification scheme defined by the ClinGen Rett/Angelman-like Expert Panel for Rett/AS-like Disorders Specifications to the ACMG/AMP Variant Interpretation Guidelines VCEP 3.0, this variant is classified as likely pathogenic. At least the following criteria are met: Predicted to result in loss of function, and LOF is a known mechanism of disease (PVS1). This variant is absent from gnomAD (PM2_Supporting). Has been observed in at least 1 individual with phenotypes consistent with CDKL5 disorder (PMID: 22872100).

Labcorp Genetics (formerly Invitae), Labcorp
Classification: Pathogenic for Developmental and epileptic encephalopathy, 2; Angelman syndrome-like. Last evaluated: 2023-09-10. Review status: criteria provided, single submitter. Criteria: Invitae Variant Classification Sherloc (09022015). Collection method: clinical testing. Allele origin: germline.
Comment: This sequence change creates a premature translational stop signal (p.Thr792Asnfs*9) in the CDKL5 gene. It is expected to result in an absent or disrupted protein product. Loss-of-function variants in CDKL5 are known to be pathogenic (PMID: 22872100). This variant is not present in population databases (gnomAD no frequency). This premature translational stop signal has been observed in individual(s) with CDKL5-related conditions (PMID: 22872100, 31313283). ClinVar contains an entry for this variant (Variation ID: 817613). For these reasons, this variant has been classified as Pathogenic.

GeneDx
Classification: Likely pathogenic. Last evaluated: 2019-03-08. Review status: criteria provided, single submitter. Criteria: GeneDx Variant Classification (06012015). Collection method: clinical testing. Allele origin: germline. Affected: yes.
Comment: A variant that is likely pathogenic has been identified in the CDKL5 gene. The c.2374dupA variant has been reported previously in association with a CDKL5-related disorder (Fehr et al., 2013). The duplication causes a frameshift starting with codon Threonin 792, changes this amino acid to a Asparagine residue and creates a premature Stop codon at position 9 of the new reading frame, denoted p.Thr792AsnfsX9. This variant is predicted to cause loss of normal protein function either through protein truncation or nonsense-mediated mRNA decay. Furthermore, the c.2374dupA variant is not observed in large population cohorts (Lek et al., 2016). Therefore, this variant is likely pathogenic; however, the possibility that it is benign cannot be excluded.

Literature cited by the submitters: PubMed 22872100 (cited by Centre for Population Genomics, CPG and Labcorp Genetics (formerly Invitae), Labcorp); PubMed 31313283 (cited by Labcorp Genetics (formerly Invitae), Labcorp).